The following is an entry in ClinVar:

ClinVar aggregate classification (germline): Uncertain significance. Review status: criteria provided, multiple submitters, no conflicts (2 of 4 stars). 2 submissions from 2 submitters: Uncertain significance (2). Last evaluated 2026-09-08.

Conditions:
Fabry disease. Also called: ALPHA-GALACTOSIDASE A DEFICIENCY; Fabry's disease; Ceramide trihexosidosis; Angiokeratoma corporis diffusum; ANDERSON-FABRY DISEASE; CERAMIDE TRIHEXOSIDASE DEFICIENCY. Identifiers: Orphanet 324, MedGen C0002986, MONDO:0010526, OMIM 301500, HP:0001071. Disease mechanism: loss of function, Fabry disease is due to inactivating mutations in the X-linked GLA gene resulting in deficiency of the enzyme Alpha Galactosidase-A..

gnomAD v4.1: 2 of 1,210,241 alleles (0.00017%); highest among the groups gnomAD compares: African/African-American, 0.0035%; no homozygotes.

Submissions (2):

Genomenon, Inc
Classification: Uncertain significance for Fabry disease. Last evaluated: 2026-09-08. Review status: criteria provided, single submitter. Criteria: Genomenon Sequence Variant Interpretation Standards - Updated. Collection method: curation. Allele origin: germline. Affected: no.
Comment: GLA p.Gly144Asp (c.431G>A) is a missense variant that changes the amino acid at codon 144 from Glycine to Aspartic acid. This variant has been reported in the published literature (PMID:28224042;31956509;37441486;24801925;31036492;27657681). It is absent or not present at a significant frequency in gnomAD. In silico models predict that this variant is possibly or probably damaging. In conclusion, we classify GLA p.Gly144Asp (c.431G>A) as a variant of uncertain significance.

Labcorp Genetics (formerly Invitae), Labcorp
Classification: Uncertain significance for Fabry disease. Last evaluated: 2026-01-27. Review status: criteria provided, single submitter. Criteria: Invitae Variant Classification Sherloc (09022015). Collection method: clinical testing. Allele origin: germline.
Comment: This sequence change replaces glycine, which is neutral and non-polar, with aspartic acid, which is acidic and polar, at codon 144 of the GLA protein (p.Gly144Asp). This variant is present in population databases (rs782085638, gnomAD 0.02%). This missense change has been observed in individual(s) with Fabry disease (PMID: 24801925, 28224042, 31956509). ClinVar contains an entry for this variant (Variation ID: 3724326). Invitae Evidence Modeling of protein sequence and biophysical properties (such as structural, functional, and spatial information, amino acid conservation, physicochemical variation, residue mobility, and thermodynamic stability) indicates that this missense variant is not expected to disrupt GLA protein function with a negative predictive value of 80%. This variant disrupts the p.Gly144 amino acid residue in GLA. Other variant(s) that disrupt this residue have been determined to be pathogenic (PMID: 7531540, 10649504, 11322659, 11531969). This suggests that this residue is clinically significant, and that variants that disrupt this residue are likely to be disease-causing. In summary, the available evidence is currently insufficient to determine the role of this variant in disease. Therefore, it has been classified as a Variant of Uncertain Significance.

Literature cited by the submitters: PubMed 28224042 (cited by Genomenon, Inc and Labcorp Genetics (formerly Invitae), Labcorp); PubMed 31956509 (cited by Genomenon, Inc and Labcorp Genetics (formerly Invitae), Labcorp); PubMed 37441486 (cited by Genomenon, Inc); PubMed 24801925 (cited by Genomenon, Inc and Labcorp Genetics (formerly Invitae), Labcorp); PubMed 31036492 (cited by Genomenon, Inc); PubMed 27657681 (cited by Genomenon, Inc); PubMed 7531540 (cited by Labcorp Genetics (formerly Invitae), Labcorp); PubMed 10649504 (cited by Labcorp Genetics (formerly Invitae), Labcorp); PubMed 11322659 (cited by Labcorp Genetics (formerly Invitae), Labcorp); PubMed 11531969 (cited by Labcorp Genetics (formerly Invitae), Labcorp).

NM_000169.3(GLA):c.431G>A (p.Gly144Asp)

Genes: GLA (galactosidase alpha; minus strand), RPL36A-HNRNPH2 (RPL36A-HNRNPH2 readthrough; plus strand). Cytogenetic location: Xq22.1.
Variant type: single nucleotide variant.
Coding change: c.431G>A on transcript NM_000169.3 (MANE Select); coding-DNA position 431, G replaced by A.
Protein change: p.Gly144Asp; replaces glycine 144 with aspartic acid.
Molecular consequence: missense variant. On other transcripts: non-coding transcript variant (3), intron variant (2).
Genome position (GRCh38, 1-based): chrX:101,401,748, C>T on the plus strand (G>A on the coding strand, the complement: GLA is on the minus strand). VCF-style: chrX-101401748-C-T. GRCh37 (hg19) VCF-style: chrX-100656736-C-T.
Other names: c.554G>A, p.Gly185Asp (NM_001406747.1, NM_001406749.1); c.431G>A, p.Gly144Asp (NM_001406748.1); c.300+6291C>T (NM_001199973.2); c.177+9926C>T (NM_001199974.2); short protein forms G144D, G185D.
Identifiers: ClinVar variation 3724326 (VCV003724326.4).